The following is an entry in ClinVar:

NM_001481.3(DRC4):c.64G>A (p.Ala22Thr)

Gene: DRC4 (dynein regulatory complex subunit 4; plus strand). Cytogenetic location: 16q24.3.
Variant type: single nucleotide variant.
Coding change: c.64G>A on transcript NM_001481.3 (MANE Select); coding-DNA position 64, G replaced by A.
Protein change: p.Ala22Thr; replaces alanine 22 with threonine.
Molecular consequence: missense variant. On other transcripts: 5 prime UTR variant (3).
Genome position (GRCh38, 1-based): chr16:90,027,696, G>A. VCF-style: chr16-90027696-G-A. GRCh37 (hg19) VCF-style: chr16-90094104-G-A.
Other names: c.-309G>A (NM_001286205.2); c.-581G>A (NM_001286208.2); c.-12G>A (NM_001286209.2); short protein forms A22T.
Identifiers: ClinVar variation 542262 (VCV000542262.8), dbSNP rs762664716, ClinGen allele CA8257457.

ClinVar aggregate classification (germline): Uncertain significance (1 of 4 stars; one submission).

Conditions:
Primary ciliary dyskinesia 33. Also called: CILIARY DYSKINESIA, PRIMARY, 33, WITHOUT SITUS INVERSUS. Identifiers: Orphanet 244, MedGen C4225230, MONDO:0014750, OMIM 616726.

Allele frequency attached by ClinVar (database versions not stated): gnomAD 0.00001; gnomAD exomes 0.00001 and 0.00002; ExAC 0.00002; TOPMed 0.00004.
gnomAD v4.1: 25 of 1,614,064 alleles (0.0015%); highest among the groups gnomAD compares: Non-Finnish European, 0.0021%; no homozygotes.

Submission:

Labcorp Genetics (formerly Invitae), Labcorp
Classification: Uncertain significance for Primary ciliary dyskinesia 33. Last evaluated: 2023-08-04. Review status: criteria provided, single submitter. Criteria: Invitae Variant Classification Sherloc (09022015). Collection method: clinical testing. Allele origin: germline.
Comment: In summary, the available evidence is currently insufficient to determine the role of this variant in disease. Therefore, it has been classified as a Variant of Uncertain Significance. Advanced modeling of protein sequence and biophysical properties (such as structural, functional, and spatial information, amino acid conservation, physicochemical variation, residue mobility, and thermodynamic stability) performed at Invitae indicates that this missense variant is not expected to disrupt GAS8 protein function. This sequence change replaces alanine, which is neutral and non-polar, with threonine, which is neutral and polar, at codon 22 of the GAS8 protein (p.Ala22Thr). This variant is present in population databases (rs762664716, gnomAD 0.002%). This variant has not been reported in the literature in individuals affected with GAS8-related conditions. ClinVar contains an entry for this variant (Variation ID: 542262).